The following is an entry in ClinVar:

NM_152564.5(VPS13B):c.7620A>C (p.Gln2540His)

Gene: VPS13B (vacuolar protein sorting 13 homolog B; plus strand). Cytogenetic location: 8q22.2.
Variant type: single nucleotide variant.
Coding change: c.7620A>C on transcript NM_152564.5 (MANE Select); coding-DNA position 7620, A replaced by C.
Protein change: p.Gln2540His; replaces glutamine 2540 with histidine.
Molecular consequence: missense variant.
Genome position (GRCh38, 1-based): chr8:99,778,872, A>C. VCF-style: chr8-99778872-A-C. GRCh37 (hg19) VCF-style: chr8-100791100-A-C.
Other names: c.7620A>C (NM_152564.4); c.7695A>C, p.Gln2565His (NM_017890.5); short protein forms Q2565H, Q2540H.
Identifiers: ClinVar variation 839131 (VCV000839131.5), dbSNP rs1333115796, ClinGen allele CA371876361.

ClinVar aggregate classification (germline): Uncertain significance. Review status: criteria provided, single submitter (1 of 4 stars). 2 submissions from 2 submitters: Uncertain significance (1). 1 of the submissions does not count toward it. Last evaluated 2022-08-23.

Conditions:
Cohen syndrome (COH1). Also called: Cutis verticis gyrata, retinitis pigmentosa, and sensorineural deafness; PEPPER SYNDROME. Identifiers: Orphanet 193, MedGen C0265223, MONDO:0008999, OMIM 216550.
VPS13B-related disorder. Also called: VPS13B-related condition.

Allele frequency attached by ClinVar (database versions not stated): gnomAD exomes below 0.00001 and 0.00001; TOPMed 0.00001; gnomAD 0.00003.
gnomAD v4.1: 17 of 1,613,892 alleles (0.0011%); highest among the groups gnomAD compares: Non-Finnish European, 0.0014%; no homozygotes.

Submissions (2):

Labcorp Genetics (formerly Invitae), Labcorp
Classification: Uncertain significance for Cohen syndrome. Last evaluated: 2022-08-23. Review status: criteria provided, single submitter. Criteria: Invitae Variant Classification Sherloc (09022015). Collection method: clinical testing. Allele origin: germline.
Comment: This sequence change replaces glutamine, which is neutral and polar, with histidine, which is basic and polar, at codon 2565 of the VPS13B protein (p.Gln2565His). This variant is present in population databases (no rsID available, gnomAD 0.002%). This variant has not been reported in the literature in individuals affected with VPS13B-related conditions. ClinVar contains an entry for this variant (Variation ID: 839131). Algorithms developed to predict the effect of missense changes on protein structure and function are either unavailable or do not agree on the potential impact of this missense change (SIFT: "Not Available"; PolyPhen-2: "Benign"; Align-GVGD: "Not Available"). In summary, the available evidence is currently insufficient to determine the role of this variant in disease. Therefore, it has been classified as a Variant of Uncertain Significance.

PreventionGenetics, part of Exact Sciences
Classification: Uncertain significance for VPS13B-related condition. Last evaluated: 2024-05-31. Review status: no assertion criteria provided. Collection method: clinical testing. Allele origin: germline. Not counted in ClinVar's aggregate classification.
Comment: The VPS13B c.7620A>C variant is predicted to result in the amino acid substitution p.Gln2540His. To our knowledge, this variant has not been reported in the literature. This variant is reported in 0.0023% of alleles in individuals of European (non-Finnish) descent in gnomAD. At this time, the clinical significance of this variant is uncertain due to the absence of conclusive functional and genetic evidence.